The following is an entry in ClinVar:

NM_201253.3(CRB1):c.1042del (p.Cys348fs)

Gene: CRB1 (crumbs cell polarity complex component 1; plus strand). Cytogenetic location: 1q31.3.
Variant type: Deletion.
Coding change: c.1042del on transcript NM_201253.3 (MANE Select); coding-DNA position 1042, one base deleted (T; older notation c.1042delT).
Protein change: p.Cys348fs; shifts the reading frame from cysteine 348.
Molecular consequence: frameshift variant. On other transcripts: non-coding transcript variant (2).
Genome position (GRCh38, 1-based): chr1:197,356,884, T deleted. VCF-style (leftmost placement, unchanged base first): chr1-197356883-CT-C. GRCh37 (hg19) VCF-style: chr1-197326013-CT-C.
Other names: c.706del, p.Cys236fs (NM_001193640.2); c.835del, p.Cys279fs (NM_001257965.2); c.1042del, p.Cys348fs (NM_001257966.2); short protein forms C279fs, C236fs, C348fs.
Identifiers: ClinVar variation 4786051 (VCV004786051.1).

ClinVar aggregate classification (germline): Pathogenic (1 of 4 stars; one submission).

Conditions:
Leber congenital amaurosis 8 (LCA8). Identifiers: Orphanet 65, MedGen C3151202, MONDO:0013453, OMIM 613835.
Retinitis pigmentosa 12 (RP12). Also called: RP WITH OR WITHOUT PPRPE; RP WITH OR WITHOUT PRESERVED PARAARTERIOLE RETINAL PIGMENT EPITHELIUM; RETINITIS PIGMENTOSA WITH OR WITHOUT PARAARTERIOLAR PRESERVATION OF RETINAL PIGMENT EPITHELIUM. Identifiers: Orphanet 791, MedGen C1838647, MONDO:0010818, OMIM 600105.

Submission:

Labcorp Genetics (formerly Invitae), Labcorp
Classification: Pathogenic for Leber congenital amaurosis 8; Retinitis pigmentosa 12. Last evaluated: 2025-09-09. Review status: criteria provided, single submitter. Criteria: Invitae Variant Classification Sherloc (09022015). Collection method: clinical testing. Allele origin: germline.
Comment: This sequence change creates a premature translational stop signal (p.Cys348Alafs*104) in the CRB1 gene. It is expected to result in an absent or disrupted protein product. Loss-of-function variants in CRB1 are known to be pathogenic (PMID: 10508521, 22065545, 23379534, 25412400, 26957898, 28041643, 29391521). This variant is not present in population databases (gnomAD no frequency). This variant has not been reported in the literature in individuals affected with CRB1-related conditions. For these reasons, this variant has been classified as Pathogenic.

Literature cited by the submitters: PubMed 10508521; PubMed 22065545; PubMed 23379534; PubMed 25412400; PubMed 26957898; PubMed 28041643; PubMed 29391521.